The following is an entry in ClinVar:

ClinVar aggregate classification (germline): Uncertain significance (1 of 4 stars; one submission).

Conditions:
RASopathy. Also called: Noonan spectrum disorder; rasopathies. Identifiers: Orphanet 536391, MedGen C5555857, MONDO:0021060.

Submission:

Labcorp Genetics (formerly Invitae), Labcorp
Classification: Uncertain significance for RASopathy. Last evaluated: 2022-11-01. Review status: criteria provided, single submitter. Criteria: Invitae Variant Classification Sherloc (09022015). Collection method: clinical testing. Allele origin: germline.
Comment: In summary, the available evidence is currently insufficient to determine the role of this variant in disease. Therefore, it has been classified as a Variant of Uncertain Significance. Advanced modeling of protein sequence and biophysical properties (such as structural, functional, and spatial information, amino acid conservation, physicochemical variation, residue mobility, and thermodynamic stability) has been performed at Invitae for this missense variant, however the output from this modeling did not meet the statistical confidence thresholds required to predict the impact of this variant on SOS1 protein function. This variant has not been reported in the literature in individuals affected with SOS1-related conditions. This variant is not present in population databases (gnomAD no frequency). This sequence change replaces alanine, which is neutral and non-polar, with threonine, which is neutral and polar, at codon 86 of the SOS1 protein (p.Ala86Thr).

NM_005633.4(SOS1):c.256G>A (p.Ala86Thr)

Gene: SOS1 (SOS Ras/Rac guanine nucleotide exchange factor 1; minus strand). Cytogenetic location: 2p22.1.
Variant type: single nucleotide variant.
Coding change: c.256G>A on transcript NM_005633.4 (MANE Select); coding-DNA position 256, G replaced by A.
Protein change: p.Ala86Thr; replaces alanine 86 with threonine.
Molecular consequence: missense variant.
Genome position (GRCh38, 1-based): chr2:39,058,762, C>T on the plus strand (G>A on the coding strand, the complement: SOS1 is on the minus strand). VCF-style: chr2-39058762-C-T. GRCh37 (hg19) VCF-style: chr2-39285903-C-T.
Other names: c.235G>A, p.Ala79Thr (NM_001382394.1); c.256G>A, p.Ala86Thr (NM_001382395.1); short protein forms A79T, A86T.
Identifiers: ClinVar variation 2166833 (VCV002166833.4), dbSNP rs2465361612, ClinGen allele CA346373971.